The following is an entry in ClinVar:

ClinVar aggregate classification (germline): Uncertain significance. Review status: criteria provided, multiple submitters, no conflicts (2 of 4 stars). 2 submissions from 2 submitters: Uncertain significance (2). Last evaluated 2025-10-25.

Conditions:
Hereditary cancer-predisposing syndrome. Also called: Hereditary neoplastic syndrome; Hereditary Cancer Syndrome; Neoplastic Syndromes, Hereditary; Tumor predisposition. Identifiers: Orphanet 140162, MedGen C0027672, MeSH D009386, MONDO:0015356.
Neuroblastoma, susceptibility to, 3. Also called: ALK-Related Neuroblastic Tumor Susceptibility. Identifiers: Orphanet 635, MedGen C2751681, MONDO:0013083, OMIM 613014.

gnomAD v4.1: 1 of 1,613,722 alleles (0.000062%); highest among the groups gnomAD compares: Non-Finnish European, 0.000085%; no homozygotes.

Submissions (2):

Ambry Genetics
Classification: Uncertain significance for Hereditary cancer-predisposing syndrome. Last evaluated: 2025-10-25. Review status: criteria provided, single submitter. Criteria: Ambry Variant Classification Scheme 2023. Collection method: clinical testing. Allele origin: germline.
Comment: The p.T222I variant (also known as c.665C>T), located in coding exon 1 of the ALK gene, results from a C to T substitution at nucleotide position 665. The threonine at codon 222 is replaced by isoleucine, an amino acid with similar properties. This amino acid position is conserved. In addition, this alteration is predicted to be tolerated by in silico analysis. Based on the available evidence, the clinical significance of this variant remains unclear.

Labcorp Genetics (formerly Invitae), Labcorp
Classification: Uncertain significance for Neuroblastoma, susceptibility to, 3. Last evaluated: 2021-08-06. Review status: criteria provided, single submitter. Criteria: Invitae Variant Classification Sherloc (09022015). Collection method: clinical testing. Allele origin: germline.
Comment: This variant is not present in population databases (ExAC no frequency). In summary, the available evidence is currently insufficient to determine the role of this variant in disease. Therefore, it has been classified as a Variant of Uncertain Significance. Algorithms developed to predict the effect of missense changes on protein structure and function output the following: SIFT: "Deleterious"; PolyPhen-2: "Benign"; Align-GVGD: "Class C0". The isoleucine amino acid residue is found in multiple mammalian species, which suggests that this missense change does not adversely affect protein function. This variant has not been reported in the literature in individuals affected with ALK-related conditions. This sequence change replaces threonine with isoleucine at codon 222 of the ALK protein (p.Thr222Ile). The threonine residue is weakly conserved and there is a moderate physicochemical difference between threonine and isoleucine.

NM_004304.5(ALK):c.665C>T (p.Thr222Ile)

Gene: ALK (ALK receptor tyrosine kinase; minus strand). Cytogenetic location: 2p23.1.
Variant type: single nucleotide variant.
Coding change: c.665C>T on transcript NM_004304.5 (MANE Select); coding-DNA position 665, C replaced by T.
Protein change: p.Thr222Ile; replaces threonine 222 with isoleucine.
Molecular consequence: missense variant.
Genome position (GRCh38, 1-based): chr2:29,919,995, G>A on the plus strand (C>T on the coding strand, the complement: ALK is on the minus strand). VCF-style: chr2-29919995-G-A. GRCh37 (hg19) VCF-style: chr2-30142861-G-A.
Other names: c.665C>T (NM_004304.4); short protein forms T222I.
Identifiers: ClinVar variation 1372981 (VCV001372981.7), dbSNP rs2148442788, ClinGen allele CA346589579.